The following is an entry in ClinVar:

NM_032830.3(UTP4):c.1564G>A (p.Val522Met)

Gene: UTP4 (UTP4 small subunit processome component). Cytogenetic location: 16q22.1.
Variant type: single nucleotide variant.
Coding change: c.1564G>A on transcript NM_032830.3 (MANE Select); coding-DNA position 1564, G replaced by A.
Protein change: p.Val522Met; replaces valine 522 with methionine.
Molecular consequence: missense variant.
Genome position (GRCh38, 1-based): chr16:69,163,095, G>A. VCF-style: chr16-69163095-G-A. GRCh37 (hg19) VCF-style: chr16-69196998-G-A.
Other names: c.1315G>A, p.Val439Met (NM_001318391.2); short protein forms V439M, V522M.
Identifiers: ClinVar variation 2634355 (VCV002634355.3), dbSNP rs750196540, ClinGen allele CA8132478.

ClinVar aggregate classification (germline): Uncertain significance. Review status: criteria provided, multiple submitters, no conflicts (2 of 4 stars). 2 submissions from 2 submitters: Uncertain significance (2). Last evaluated 2024-08-02.

Conditions:
UTP4-related disorder. Also called: UTP4-related condition.

Allele frequency attached by ClinVar (database versions not stated): ExAC 0.00001.
gnomAD v4.1: 2 of 1,613,916 alleles (0.00012%); no homozygotes.

Submissions (2):

Labcorp Genetics (formerly Invitae), Labcorp
Classification: Uncertain significance. Last evaluated: 2024-08-02. Review status: criteria provided, single submitter. Criteria: Invitae Variant Classification Sherloc (09022015). Collection method: clinical testing. Allele origin: germline.
Comment: This sequence change replaces valine, which is neutral and non-polar, with methionine, which is neutral and non-polar, at codon 522 of the UTP4 protein (p.Val522Met). This variant is present in population databases (rs750196540, gnomAD 0.006%). This variant has not been reported in the literature in individuals affected with UTP4-related conditions. ClinVar contains an entry for this variant (Variation ID: 2634355). Advanced modeling of protein sequence and biophysical properties (such as structural, functional, and spatial information, amino acid conservation, physicochemical variation, residue mobility, and thermodynamic stability) performed at Invitae indicates that this missense variant is not expected to disrupt UTP4 protein function with a negative predictive value of 80%. In summary, the available evidence is currently insufficient to determine the role of this variant in disease. Therefore, it has been classified as a Variant of Uncertain Significance.

PreventionGenetics, part of Exact Sciences
Classification: Uncertain significance for UTP4-related condition. Last evaluated: 2022-11-29. Review status: criteria provided, single submitter. Criteria: ACMG Guidelines, 2015. Collection method: clinical testing. Allele origin: germline.
Comment: The UTP4 c.1564G>A variant is predicted to result in the amino acid substitution p.Val522Met. To our knowledge, this variant has not been reported in the literature. This variant is reported in 0.0054% of alleles in individuals of East Asian descent in gnomAD. At this time, the clinical significance of this variant is uncertain due to the absence of conclusive functional and genetic evidence.